The following is an entry in ClinVar:

NM_000377.3(WAS):c.995dup (p.Gly334_Asn335insTer)

Gene: WAS (WASP actin nucleation promoting factor; plus strand). Cytogenetic location: Xp11.23.
Variant type: Duplication.
Coding change: c.995dup on transcript NM_000377.3 (MANE Select); coding-DNA position 995, one base duplicated (T; older notation c.995dupT).
Protein change: p.Gly334_Asn335insTer.
Molecular consequence: frameshift variant. On other transcripts: intron variant (2).
Genome position (GRCh38, 1-based): chrX:48,688,723, T duplicated. VCF-style (leftmost placement, unchanged base first): chrX-48688722-G-GT. GRCh37 (hg19) VCF-style: chrX-48547111-G-GT.
Other names: c.995dup, p.Gly334_Asn335insTer (NM_001438879.1, NM_001438877.1); c.932-93dup (NM_001438878.1, NM_001438876.1).
Identifiers: ClinVar variation 4291896 (VCV004291896.1).

ClinVar aggregate classification (germline): Pathogenic (1 of 4 stars; one submission).

Conditions:
WAS-related disorder. Also called: WAS-related condition; WAS-Related Disorders. Identifiers: MedGen CN381538.

Submission:

3billion
Classification: Pathogenic for WAS-related disorder. Last evaluated: 2025-02-12. Review status: criteria provided, single submitter. Criteria: ACMG Guidelines, 2015. Collection method: clinical testing. Allele origin: germline. Affected: yes.
Comment: The variant is not observed in the gnomAD v4.1.0 dataset. Predicted Consequence/Location: Stop-gained (nonsense): predicted to result in a loss or disruption of normal protein function through nonsense-mediated decay (NMD) or protein truncation. Multiple pathogenic variants are reported downstream of the variant. The variant has been reported to be associated with WAS-related disorder (PMID: 9326235). Therefore, this variant is classified as Pathogenic according to the recommendation of ACMG/AMP guideline.

Literature cited by the submitters: PubMed 9326235.